The following is an entry in ClinVar:

ClinVar aggregate classification (germline): Uncertain significance (1 of 4 stars; one submission).

gnomAD v4.1: 3 of 1,611,866 alleles (0.00019%); highest among the groups gnomAD compares: Admixed American, 0.0033%; no homozygotes.

Submission:

Labcorp Genetics (formerly Invitae), Labcorp
Classification: Uncertain significance. Last evaluated: 2021-12-24. Review status: criteria provided, single submitter. Criteria: Invitae Variant Classification Sherloc (09022015). Collection method: clinical testing. Allele origin: germline.
Comment: Algorithms developed to predict the effect of missense changes on protein structure and function are either unavailable or do not agree on the potential impact of this missense change (SIFT: "Tolerated"; PolyPhen-2: "Possibly Damaging"; Align-GVGD: "Class C0"). This variant has not been reported in the literature in individuals affected with FGF12-related conditions. In summary, the available evidence is currently insufficient to determine the role of this variant in disease. Therefore, it has been classified as a Variant of Uncertain Significance. This variant is present in population databases (rs551785451, gnomAD 0.003%). This sequence change replaces arginine, which is basic and polar, with proline, which is neutral and non-polar, at codon 58 of the FGF12 protein (p.Arg58Pro).

NM_004113.6(FGF12):c.14-47513G>C

Gene: FGF12 (fibroblast growth factor 12; minus strand). Cytogenetic location: 3q28.
Variant type: single nucleotide variant.
Coding change: c.14-47513G>C on transcript NM_004113.6 (MANE Select); 47513 bases into the intron before coding-DNA position 14, G replaced by C.
Molecular consequence: intron variant. On other transcripts: missense variant (1).
Genome position (GRCh38, 1-based): chr3:192,408,051, C>G on the plus strand (G>C on the coding strand, the complement: FGF12 is on the minus strand). VCF-style: chr3-192408051-C-G. GRCh37 (hg19) VCF-style: chr3-192125840-C-G.
Other names: c.173G>C, p.Arg58Pro (NM_021032.5); c.-59-47513G>C (NM_001377293.1); c.14-72587G>C (NM_001377292.1); c.-60+1461G>C (NM_001377294.1); short protein forms R58P.
Identifiers: ClinVar variation 2141950 (VCV002141950.4), dbSNP rs551785451, ClinGen allele CA2755881.